The following is an entry in ClinVar:

ClinVar aggregate classification (germline): Uncertain significance (1 of 4 stars; one submission).

Submission:

Ambry Genetics
Classification: Uncertain significance. Last evaluated: 2026-03-01. Review status: criteria provided, single submitter. Criteria: Ambry Variant Classification Scheme 2023. Collection method: clinical testing. Allele origin: germline.
Comment: The p.G156R variant (also known as c.466G>A), located in coding exon 3 of the GEN1 gene, results from a G to A substitution at nucleotide position 466. The glycine at codon 156 is replaced by arginine, an amino acid with dissimilar properties. This amino acid position is conserved. In addition, this alteration is predicted to be deleterious by in silico analysis. Based on the available evidence, the clinical significance of this variant remains unclear.

NM_001130009.3(GEN1):c.466G>A (p.Gly156Arg)

Gene: GEN1 (GEN1 structure-specific endonuclease; plus strand). Cytogenetic location: 2p24.2.
Variant type: single nucleotide variant.
Coding change: c.466G>A on transcript NM_001130009.3 (MANE Select); coding-DNA position 466, G replaced by A.
Protein change: p.Gly156Arg; replaces glycine 156 with arginine.
Molecular consequence: missense variant.
Genome position (GRCh38, 1-based): chr2:17,765,014, G>A. VCF-style: chr2-17765014-G-A. GRCh37 (hg19) VCF-style: chr2-17946281-G-A.
Other names: c.466G>A, p.Gly156Arg (NM_182625.5); short protein forms G156R.
Identifiers: ClinVar variation 4826296 (VCV004826296.1).
Genomic context (GRCh38, chr2:17,765,014, plus strand): 5'-GAAGCCATGTGTGCTTATCTCAATGCTGGTGGTCATGTCGATGGCTGCCTCACCAATGAT[G>A]GAGATACTTTCCTTTATGGGGCCCAGACTGTTTACAGGAATTTCACTATGAATACAAAGG-3'
Protein context (NP_001123481.3, residues 146-166): GHVDGCLTND[Gly156Arg]DTFLYGAQTV